The following is an entry in ClinVar:

ClinVar aggregate classification (germline): Uncertain significance (1 of 4 stars; one submission).

Conditions:
RASopathy. Also called: rasopathies; Noonan spectrum disorder. Identifiers: Orphanet 536391, MedGen C5555857, MONDO:0021060.

Submission:

Labcorp Genetics (formerly Invitae), Labcorp
Classification: Uncertain significance for RASopathy. Last evaluated: 2023-05-22. Review status: criteria provided, single submitter. Criteria: Invitae Variant Classification Sherloc (09022015). Collection method: clinical testing. Allele origin: germline.
Comment: In summary, the available evidence is currently insufficient to determine the role of this variant in disease. Therefore, it has been classified as a Variant of Uncertain Significance. Experimental studies and prediction algorithms are not available or were not evaluated, and the functional significance of this variant is currently unknown. ClinVar contains an entry for this variant (Variation ID: 2115360). This variant has not been reported in the literature in individuals affected with RAF1-related conditions. This variant is not present in population databases (gnomAD no frequency). This variant, c.687_707dup, results in the insertion of 7 amino acid(s) of the RAF1 protein (p.Gln229_Pro235dup), but otherwise preserves the integrity of the reading frame.

NM_002880.4(RAF1):c.687_707dup (p.Pro235_His236insGlnHisArgTyrSerThrPro)

Gene: RAF1 (Raf-1 proto-oncogene, serine/threonine kinase; minus strand). Cytogenetic location: 3p25.2.
Variant type: Duplication.
Coding change: c.687_707dup on transcript NM_002880.4 (MANE Select); coding-DNA positions 687 to 707, 21 bases duplicated (GCACAGATATTCTACACCTCA).
Protein change: p.Pro235_His236insGlnHisArgTyrSerThrPro.
Molecular consequence: inframe insertion. On other transcripts: non-coding transcript variant (3).
Genome position (GRCh38, 1-based): chr3:12,604,263-12,604,283, TGAGGTGTAGAATATCTGTGC duplicated on the plus strand (GCACAGATATTCTACACCTCA on the coding strand, the reverse complement: RAF1 is on the minus strand); duplicating any 21 consecutive bases within chr3:12,604,263-12,604,287 gives the same sequence; the c. name uses the placement nearest the transcript's 3' end. VCF-style (leftmost placement, unchanged base first): chr3-12604262-G-GTGAGGTGTAGAATATCTGTGC. GRCh37 (hg19) VCF-style: chr3-12645761-G-GTGAGGTGTAGAATATCTGTGC.
Other names: c.687_707dup, p.Pro235_His236insGlnHisArgTyrSerThrPro (NM_001354689.3, NM_001354690.3); c.444_464dup, p.Pro154_His155insGlnHisArgTyrSerThrPro (NM_001354691.3, NM_001354692.3, NM_001354694.3); c.588_608dup, p.Pro202_His203insGlnHisArgTyrSerThrPro (NM_001354693.3); c.345_365dup, p.Pro121_His122insGlnHisArgTyrSerThrPro (NM_001354695.3).
Identifiers: ClinVar variation 2115360 (VCV002115360.4), dbSNP rs2470341109, ClinGen allele CA2580068478.